The following is an entry in ClinVar:

ClinVar aggregate classification (germline): Likely benign (1 of 4 stars; one submission).

Conditions:
WNK1-related disorder. Also called: WNK1-related condition.

Submission:

PreventionGenetics, part of Exact Sciences
Classification: Likely benign for WNK1-related condition. Last evaluated: 2025-07-24. Review status: criteria provided, single submitter. Criteria: ACMG Guidelines, 2015. Collection method: clinical testing. Allele origin: germline.
Comment: This variant is classified as likely benign based on ACMG/AMP sequence variant interpretation guidelines (Richards et al. 2015 PMID: 25741868, with internal and published modifications).

NM_018979.4(WNK1):c.2337T>C (p.Ala779=)

Gene: WNK1 (WNK lysine deficient protein kinase 1; plus strand). Cytogenetic location: 12p13.33.
Variant type: single nucleotide variant.
Coding change: c.2337T>C on transcript NM_018979.4 (MANE Select); coding-DNA position 2337, T replaced by C.
Protein change: p.Ala779=; no amino-acid change (alanine 779 retained).
Molecular consequence: synonymous variant.
Genome position (GRCh38, 1-based): chr12:878,325, T>C. VCF-style: chr12-878325-T-C. GRCh37 (hg19) VCF-style: chr12-987491-T-C.
Other names: c.3576T>C, p.Ala1192= (NM_001184985.2); c.2334T>C, p.Ala778= (NM_014823.3); c.3831T>C, p.Ala1277= (NM_213655.5).
Identifiers: ClinVar variation 4985174 (VCV004985174.1).